The following is an entry in ClinVar:

ClinVar aggregate classification (germline): Uncertain significance. Review status: criteria provided, multiple submitters, no conflicts (2 of 4 stars). 2 submissions from 2 submitters: Uncertain significance (2). Last evaluated 2025-08-11.

Conditions:
Hereditary cancer-predisposing syndrome. Also called: Hereditary Cancer Syndrome; Hereditary neoplastic syndrome; Neoplastic Syndromes, Hereditary; Tumor predisposition. Identifiers: Orphanet 140162, MedGen C0027672, MeSH D009386, MONDO:0015356.
Fanconi anemia (FA). Also called: Fanconi's anemia. Identifiers: Orphanet 84, MedGen C0015625, MeSH D005199, MONDO:0019391.

Allele frequency attached by ClinVar (database versions not stated): gnomAD exomes below 0.00001 and 0.00001; TOPMed below 0.00001; ExAC 0.00002.
gnomAD v4.1: 5 of 1,612,156 alleles (0.00031%); highest among the groups gnomAD compares: African/African-American, 0.0013%; no homozygotes.

Submissions (2):

Labcorp Genetics (formerly Invitae), Labcorp
Classification: Uncertain significance for Fanconi anemia. Last evaluated: 2025-08-11. Review status: criteria provided, single submitter. Criteria: Invitae Variant Classification Sherloc (09022015). Collection method: clinical testing. Allele origin: germline.
Comment: This sequence change replaces glutamine, which is neutral and polar, with arginine, which is basic and polar, at codon 623 of the FANCM protein (p.Gln623Arg). This variant is present in population databases (rs767309069, gnomAD 0.007%). This variant has not been reported in the literature in individuals affected with FANCM-related conditions. ClinVar contains an entry for this variant (Variation ID: 1691892). An algorithm developed to predict the effect of missense changes on protein structure and function (PolyPhen-2) suggests that this variant is likely to be tolerated. In summary, the available evidence is currently insufficient to determine the role of this variant in disease. Therefore, it has been classified as a Variant of Uncertain Significance.

Sema4
Classification: Uncertain significance for Hereditary cancer-predisposing syndrome. Last evaluated: 2021-11-01. Review status: criteria provided, single submitter. Criteria: Sema4 Curation Guidelines. Collection method: curation. Allele origin: germline.
Comment: The FANCM c.1868A>G (p.Q623R) variant has been reported in one individual with breast cancer (PMID: 33471991). This variant was observed in 1/16228 chromosomes in the African/African American subpopulation in the large and broad cohorts of the Genome Aggregation Database (PMID: 32461654). This variant has not been reported in ClinVar. In silico tools suggest the impact of the variant on protein function is benign, though these predictions have not been confirmed by functional studies. The evidence is insufficient to meet ACMG/AMP criteria for classifying the variant as benign or pathogenic. Thus, the clinical significance of this variant is currently uncertain.

Literature cited by the submitters: PubMed 33471991 (cited by Sema4).

NM_020937.4(FANCM):c.1868A>G (p.Gln623Arg)

Gene: FANCM (FA complementation group M; plus strand). Cytogenetic location: 14q21.2.
Variant type: single nucleotide variant.
Coding change: c.1868A>G on transcript NM_020937.4 (MANE Select); coding-DNA position 1868, A replaced by G.
Protein change: p.Gln623Arg; replaces glutamine 623 with arginine.
Molecular consequence: missense variant.
Genome position (GRCh38, 1-based): chr14:45,167,029, A>G. VCF-style: chr14-45167029-A-G. GRCh37 (hg19) VCF-style: chr14-45636232-A-G.
Other names: c.1790A>G, p.Gln597Arg (NM_001308133.2); c.1868A>G, p.Gln623Arg (NM_001308134.2); short protein forms Q597R, Q623R.
Identifiers: ClinVar variation 1691892 (VCV001691892.2), dbSNP rs767309069, ClinGen allele CA7169174.